The following is an entry in ClinVar:

ClinVar aggregate classification (germline): Pathogenic (1 of 4 stars; one submission).

Conditions:
Joubert syndrome. Also called: CEREBELLOPARENCHYMAL DISORDER IV; JOUBERT-BOLTSHAUSER SYNDROME; Familial aplasia of the vermis. Identifiers: Orphanet 475, MedGen C5979921, MONDO:0018772.
Meckel-Gruber syndrome. Also called: DYSENCEPHALIA SPLANCHNOCYSTICA; GRUBER SYNDROME; Dysencephalia splachnocystica. Identifiers: Orphanet 564, MedGen C0265215, MONDO:0018921.
Nephronophthisis. Also called: Juvenile Nephronophthisis. Identifiers: Orphanet 655, MedGen C0687120, MONDO:0019005, HP:0000090.

Allele frequency attached by ClinVar (database versions not stated): gnomAD exomes 0.00001; ExAC 0.00004.
gnomAD v4.1: 3 of 1,543,090 alleles (0.00019%); highest among the groups gnomAD compares: South Asian, 0.0037%; no homozygotes.

Submission:

Labcorp Genetics (formerly Invitae), Labcorp
Classification: Pathogenic for Joubert syndrome; Meckel-Gruber syndrome; Nephronophthisis. Last evaluated: 2022-06-08. Review status: criteria provided, single submitter. Criteria: Invitae Variant Classification Sherloc (09022015). Collection method: clinical testing. Allele origin: germline.
Comment: For these reasons, this variant has been classified as Pathogenic. This variant has not been reported in the literature in individuals affected with CEP290-related conditions. This variant is present in population databases (rs773390201, gnomAD 0.005%). This sequence change creates a premature translational stop signal (p.Lys1645*) in the CEP290 gene. It is expected to result in an absent or disrupted protein product. Loss-of-function variants in CEP290 are known to be pathogenic (PMID: 16909394, 17345604, 20690115).

Literature cited by the submitters: PubMed 16909394; PubMed 17345604; PubMed 20690115.

NM_025114.4(CEP290):c.4933A>T (p.Lys1645Ter)

Gene: CEP290 (centrosomal protein 290; minus strand). Cytogenetic location: 12q21.32.
Variant type: single nucleotide variant.
Coding change: c.4933A>T on transcript NM_025114.4 (MANE Select); coding-DNA position 4933, A replaced by T.
Protein change: p.Lys1645Ter; replaces lysine 1645 with a stop codon.
Molecular consequence: nonsense.
Genome position (GRCh38, 1-based): chr12:88,083,110, T>A on the plus strand (A>T on the coding strand, the complement: CEP290 is on the minus strand). VCF-style: chr12-88083110-T-A. GRCh37 (hg19) VCF-style: chr12-88476887-T-A.
Other names: short protein forms K1645*.
Identifiers: ClinVar variation 1925152 (VCV001925152.5), dbSNP rs773390201, ClinGen allele CA6711828.